The following is an entry in ClinVar:

ClinVar aggregate classification (germline): Uncertain significance (1 of 4 stars; one submission).

Conditions:
Familial melanoma. Also called: Hereditary melanoma; Hereditary cutaneous melanoma. Identifiers: Orphanet 618, MedGen C1512419, MONDO:0018961.

Submission:

Labcorp Genetics (formerly Invitae), Labcorp
Classification: Uncertain significance for Familial melanoma. Last evaluated: 2024-01-19. Review status: criteria provided, single submitter. Criteria: Invitae Variant Classification Sherloc (09022015). Collection method: clinical testing. Allele origin: germline.
Comment: This sequence change replaces histidine, which is basic and polar, with leucine, which is neutral and non-polar, at codon 95 of the CDK4 protein (p.His95Leu). This variant is not present in population databases (gnomAD no frequency). This variant has not been reported in the literature in individuals affected with CDK4-related conditions. An algorithm developed to predict the effect of missense changes on protein structure and function (PolyPhen-2) suggests that this variant is likely to be tolerated. In summary, the available evidence is currently insufficient to determine the role of this variant in disease. Therefore, it has been classified as a Variant of Uncertain Significance.

NM_000075.4(CDK4):c.284A>T (p.His95Leu)

Gene: CDK4 (cyclin dependent kinase 4; minus strand). Cytogenetic location: 12q14.1.
Variant type: single nucleotide variant.
Coding change: c.284A>T on transcript NM_000075.4 (MANE Select); coding-DNA position 284, A replaced by T.
Protein change: p.His95Leu; replaces histidine 95 with leucine.
Molecular consequence: missense variant.
Genome position (GRCh38, 1-based): chr12:57,751,277, T>A on the plus strand (A>T on the coding strand, the complement: CDK4 is on the minus strand). VCF-style: chr12-57751277-T-A. GRCh37 (hg19) VCF-style: chr12-58145060-T-A.
Other names: short protein forms H95L.
Identifiers: ClinVar variation 2710285 (VCV002710285.3), dbSNP rs2140387389, ClinGen allele CA385547978.
Genomic context (GRCh38, chr12:57,751,277, plus strand): 5'-TCGGCTGGCAAGCCTGGTGGGGGTGCCTTGTCCAGATATGTCCTTAGGTCCTGGTCTACA[T>A]GCTCAAACACCAGGGTTACCTTGATCTCCCGGTCAGTTCGGGATGTGGCACAGACGTCCA-3'
Protein context (NP_000066.1, residues 85-105): REIKVTLVFE[His95Leu]VDQDLRTYLD